The following is an entry in ClinVar:

ClinVar aggregate classification (germline): Uncertain significance (1 of 4 stars; one submission).

Conditions:
Melanoma, cutaneous malignant, susceptibility to, 5. Also called: Cutaneous malignant melanoma 5. Identifiers: Orphanet 618, MedGen C2751295, MONDO:0013133, OMIM 613099.

Submission:

Labcorp Genetics (formerly Invitae), Labcorp
Classification: Uncertain significance for Melanoma, cutaneous malignant, susceptibility to, 5. Last evaluated: 2024-04-03. Review status: criteria provided, single submitter. Criteria: Invitae Variant Classification Sherloc (09022015). Collection method: clinical testing. Allele origin: germline.
Comment: This sequence change replaces isoleucine, which is neutral and non-polar, with leucine, which is neutral and non-polar, at codon 146 of the MC1R protein (p.Ile146Leu). This variant is not present in population databases (gnomAD no frequency). This variant has not been reported in the literature in individuals affected with MC1R-related conditions. Advanced modeling of protein sequence and biophysical properties (such as structural, functional, and spatial information, amino acid conservation, physicochemical variation, residue mobility, and thermodynamic stability) performed at Invitae indicates that this missense variant is not expected to disrupt MC1R protein function with a negative predictive value of 80%. In summary, the available evidence is currently insufficient to determine the role of this variant in disease. Therefore, it has been classified as a Variant of Uncertain Significance.

NM_002386.4(MC1R):c.436A>C (p.Ile146Leu)

Gene: MC1R (melanocortin 1 receptor; plus strand). Cytogenetic location: 16q24.3.
Variant type: single nucleotide variant.
Coding change: c.436A>C on transcript NM_002386.4 (MANE Select); coding-DNA position 436, A replaced by C.
Protein change: p.Ile146Leu; replaces isoleucine 146 with leucine.
Molecular consequence: missense variant.
Genome position (GRCh38, 1-based): chr16:89,919,694, A>C. VCF-style: chr16-89919694-A-C. GRCh37 (hg19) VCF-style: chr16-89986102-A-C.
Other names: short protein forms I146L.
Identifiers: ClinVar variation 3692081 (VCV003692081.2).